The following is an entry in ClinVar:

ClinVar aggregate classification (germline): Uncertain significance (1 of 4 stars; one submission).

Submission:

Labcorp Genetics (formerly Invitae), Labcorp
Classification: Uncertain significance. Last evaluated: 2024-10-08. Review status: criteria provided, single submitter. Criteria: Invitae Variant Classification Sherloc (09022015). Collection method: clinical testing. Allele origin: germline.
Comment: This sequence change replaces methionine, which is neutral and non-polar, with arginine, which is basic and polar, at codon 403 of the PKLR protein (p.Met403Arg). This variant is not present in population databases (gnomAD no frequency). This variant has not been reported in the literature in individuals affected with PKLR-related conditions. Invitae Evidence Modeling of protein sequence and biophysical properties (such as structural, functional, and spatial information, amino acid conservation, physicochemical variation, residue mobility, and thermodynamic stability) indicates that this missense variant is expected to disrupt PKLR protein function with a positive predictive value of 80%. In summary, the available evidence is currently insufficient to determine the role of this variant in disease. Therefore, it has been classified as a Variant of Uncertain Significance.

NM_000298.6(PKLR):c.1208T>G (p.Met403Arg)

Gene: PKLR (pyruvate kinase L/R; minus strand). Cytogenetic location: 1q22.
Variant type: single nucleotide variant.
Coding change: c.1208T>G on transcript NM_000298.6 (MANE Select); coding-DNA position 1208, T replaced by G.
Protein change: p.Met403Arg; replaces methionine 403 with arginine.
Molecular consequence: missense variant.
Genome position (GRCh38, 1-based): chr1:155,293,499, A>C on the plus strand (T>G on the coding strand, the complement: PKLR is on the minus strand). VCF-style: chr1-155293499-A-C. GRCh37 (hg19) VCF-style: chr1-155263290-A-C.
Other names: c.1115T>G, p.Met372Arg (NM_181871.4); short protein forms M403R, M372R.
Identifiers: ClinVar variation 3633643 (VCV003633643.2).
Genomic context (GRCh38, chr1:155,293,499, plus strand): 5'-GCATGCTGCATCTTCACCGCTTCCACAGGGAAGTTGCCCTTGGCAGTCTCCCCTGACAGC[A>C]TGATGCAGTCAGCCCCATCCAGCACAGCATTGGCGACATCGCTTGTCTCTGCCCTCGTTG-3'
Protein context (NP_000289.1, residues 393-413): NAVLDGADCI[Met403Arg]LSGETAKGNF